The following is an entry in ClinVar:

NM_001349206.2(LPIN1):c.596+176C>G

Gene: LPIN1 (lipin 1; plus strand). Cytogenetic location: 2p25.1.
Variant type: single nucleotide variant.
Coding change: c.596+176C>G on transcript NM_001349206.2 (MANE Select); 176 bases into the intron after coding-DNA position 596, C replaced by G.
Molecular consequence: intron variant.
Genome position (GRCh38, 1-based): chr2:11,771,855, C>G. VCF-style: chr2-11771855-C-G. GRCh37 (hg19) VCF-style: chr2-11911981-C-G.
Other names: c.743+176C>G (NM_001261428.3, NM_001349208.2); c.686+176C>G (NM_001349207.2); c.614+176C>G (NM_001261427.3); c.596+176C>G (NM_001349204.2, NM_001349202.2, NM_001349200.2 and 5 more transcripts).
Identifiers: ClinVar variation 670453 (VCV000670453.1), dbSNP rs72774000, ClinGen allele CA15214930.

ClinVar aggregate classification (germline): Benign (1 of 4 stars; one submission).

Allele frequency attached by ClinVar (database versions not stated): 1000 Genomes Project 30x 0.07417; 1000 Genomes Project 0.07668; TOPMed 0.12883; gnomAD 0.13732 and 0.13950.
gnomAD v4.1: 20,948 of 152,142 alleles (14%); highest among the groups gnomAD compares: Non-Finnish European, 20%; 1,774 homozygotes.

Submission:

GeneDx
Classification: Benign. Last evaluated: 2018-06-19. Review status: criteria provided, single submitter. Criteria: GeneDx Variant Classification (06012015). Collection method: clinical testing. Allele origin: germline. Affected: yes.
Comment: This variant is considered likely benign or benign based on one or more of the following criteria: it is a conservative change, it occurs at a poorly conserved position in the protein, it is predicted to be benign by multiple in silico algorithms, and/or has population frequency not consistent with disease.